The following continues an entry in ClinVar:

NM_002016.2(FLG):c.7339C>T (p.Arg2447Ter)

ClinVar aggregate classification (germline): Pathogenic/Likely pathogenic. Pathogenic (32); Likely pathogenic (3).

Submissions 18 to 34 of 40:

Clinical Genomics Laboratory, Washington University in St. Louis
Classification: Pathogenic for Ichthyosis vulgaris. Last evaluated: 2023-11-07. Review status: criteria provided, single submitter. Criteria: ACMG Guidelines, 2015. Collection method: clinical testing. Allele origin: germline. Affected: yes.
Comment: The FLG c.7339C>T (p.Arg2447Ter) variant has been reported in several individuals affected with ichthyosis vulgaris and atopic dermatitis and is reported in a compound heterozygous state with a pathogenic or likely pathogenic variant in at least at least one individual, and in a heterozygous state in over 100 individuals (Gonz√°lez-Taranc√≥n R et al., PMID: 31637781; Greisenegger E et al., PMID: 19874431; Gruber R et al., PMID: 19785597; Sandilands A et al., PMID: 17417636; Schuttelaar M et al., PMID: 19839980; Timmerman JG et al., PMID: 26451970; Weidinger S et al., PMID: 18396323). The highest population minor allele frequency in the population database genome aggregation database (v.2.1.1) is 0.65% in the European (non-Finnish) population. This variant has been reported in the ClinVar database as a pathogenic variant by 18 submitters and likely pathogenic by one submitter. Based on available information and the ACMG/AMP guidelines for variant interpretation (Richards S et al., PMID: 25741868), this variant is classified as pathogenic.

Pittsburgh Clinical Genomics Laboratory, University of Pittsburgh Medical Center
Classification: Pathogenic for Ichthyosis vulgaris. Last evaluated: 2023-10-24. Review status: criteria provided, single submitter. Criteria: ACMG Guidelines, 2015. Collection method: clinical testing. Allele origin: germline. Inheritance: Autosomal unknown. Affected: yes.
Comment: This sequence variant is a single base substitution (C>T) at coding nucleotide 7339 that replaces an arginine codon with a premature termition sigl in exon 3 of 3 of the FLG gene. This variant is expected to truncate the FLG encoded profilaggrin protein, thereby disrupting the filaggrin 7 repeat and elimiting the remaining filaggrin repeats and C termil domain (PMID: 17502856). Loss of the C termil domain prevents processing profilaggrin into filaggrin monomers, generating a loss of function variant (PMID: 17417636, 22071473). This previously reported (ClinVar 50932), well-documented variant is associated with dermatitis and ichthyosis vulgaris (PMID: 17417636, 19874431, 27363669, 31637781, 32066784, 31365035, 33715246). This variant is present in 814/282684 alleles (0.3%), including 1 homozygote, in the gnomAD control population dataset. Protein studies on p.R501Ter/p.R2447Ter compound heterozygous cell lysates showed that profilaggrin was greatly reduced and filaggrin was absent (PMID: 17417636). Given this information, we consider this a pathogenic variant. ACMG Criteria: PS3, PVS1

Department of Pathology and Laboratory Medicine, Sinai Health System
Classification: Pathogenic for Ichthyosis vulgaris. Last evaluated: 2023-08-04. Review status: criteria provided, single submitter. Criteria: ACMG Guidelines, 2015. Collection method: research. Allele origin: germline.

Genome-Nilou Lab
Classification: Likely pathogenic for Ichthyosis vulgaris. Last evaluated: 2023-04-11. Review status: criteria provided, single submitter. Criteria: ACMG Guidelines, 2015. Collection method: clinical testing. Allele origin: germline. Affected: no.

Institute for Clinical Genetics, University Hospital TU Dresden, University Hospital TU Dresden
Classification: Pathogenic. Last evaluated: 2023-03-07. Review status: criteria provided, single submitter. Criteria: ACMG Guidelines, 2015. Collection method: clinical testing. Allele origin: germline.
Comment: PVS1, PS3

Laboratorio de Genetica e Diagnostico Molecular, Hospital Israelita Albert Einstein
Classification: Pathogenic for Ichthyosis vulgaris. Last evaluated: 2022-08-19. Review status: criteria provided, single submitter. Criteria: ACMG Guidelines, 2015. Collection method: clinical testing. Allele origin: germline. Affected: yes. Observed: 1 variant allele.
Comment: ACMG classification criteria: PVS1 very strong, PS4 strong, BS1 strong

Mendelics
Classification: Pathogenic for Ichthyosis vulgaris. Last evaluated: 2022-05-04. Review status: criteria provided, single submitter. Criteria: Mendelics Assertion Criteria 2019. Collection method: clinical testing. Allele origin: germline.

Genetics and Genomic Medicine Centre, NeuroGen Healthcare, NeuroGen Healthcare
Classification: Pathogenic for Ichthyosis vulgaris. Last evaluated: 2021-12-19. Review status: criteria provided, single submitter. Criteria: Submitter's publication. Collection method: clinical testing. Allele origin: unknown. Affected: no.

Illumina Laboratory Services, Illumina
Classification: Pathogenic for FLG-related disorders. Last evaluated: 2021-09-02. Review status: criteria provided, single submitter. Criteria: ICSLVariantClassificationCriteria RUGD 01 April 2020. Collection method: clinical testing. Allele origin: unknown.
Comment: The FLG c.7339C>T (p.Arg2447Ter) variant is a stop-gained variant that is predicted to result in a premature termination of the protein. Across a selection of the available literature, the p.Arg2447Ter variant has been identified in a heterozygous state in at least 32 individuals with atopic dermatitis (Weidinger et al. 2008; Greisenegger et al. 2009; Gimalova et al. 2016; González-Tarancon et al. 2020). The p.Arg2447Ter variant was also reported in a heterozygous state in 28 matched population control subjects, and is reported at a frequency of 0.006488 in the European (Finnish) population of the Genome Aggregation Database (version 2.1.1). This allele frequency is high but is consistent with high prevalence and variable severity seen in affected individuals. Based on the evidence, the p.Arg2447Ter variant is classified as pathogenic for FLG-related disorders.

Institute of Human Genetics, Clinical Exome/Genome Diagnostics Group, University Hospital Bonn
Classification: Pathogenic for Dermatitis, atopic, 2. Last evaluated: 2021-08-20. Review status: criteria provided, single submitter. Criteria: ACMG Guidelines, 2015. Collection method: clinical testing. Allele origin: inherited.
Comment: PVS1, PS1, BS2

Institute of Medical Genetics and Applied Genomics, University Hospital Tübingen
Classification: Pathogenic. Last evaluated: 2020-10-23. Review status: criteria provided, single submitter. Criteria: ACMG Guidelines, 2015. Collection method: clinical testing. Allele origin: germline. Inheritance: Autosomal dominant inheritance. Affected: yes.

GeneDx
Classification: Pathogenic. Last evaluated: 2020-06-22. Review status: criteria provided, single submitter. Criteria: GeneDx Variant Classification Process June 2021. Collection method: clinical testing. Allele origin: germline. Affected: yes.
Comment: Recurrent variant that has been reported multiple times in association with ichthyosis vulgaris and atopic dermatitis as one of the more prevalent FLG pathogenic variants among Northern Europeans (Sandilands et al., 2007; Greisenegger et al., 2010; Gimalova et al., 2016); Nonsense variant in the C-terminus predicted to result in protein truncation; other loss-of-function variants have been reported downstream in the Human Gene Mutation Database (Stenson et al., 2014); This variant is associated with the following publications: (PMID: 26451970, 17417636, 31365035, 19874431, 19839980, 22951058, 19785597, 22995991, 21377035, 28213896, 27363669, 29068602, 29428354, 29054605, 30665703, 31589614, 33144682)

CENTOGENE GmbH and LLC - Guiding Precision Medicine
Classification: Pathogenic for Ichthyosis vulgaris. Last evaluated: 2020-06-08. Review status: criteria provided, single submitter. Criteria: ACMG Guidelines, 2015. Collection method: clinical testing. Allele origin: germline. Affected: yes.

Institute of Human Genetics, University of Leipzig Medical Center
Classification: Pathogenic for Dermatitis, atopic, 2. Last evaluated: 2020-01-06. Review status: criteria provided, single submitter. Criteria: ACMG Guidelines, 2015. Collection method: clinical testing. Allele origin: germline. Affected: yes. Observed: 1 variant allele.

Fulgent Genetics
Classification: Pathogenic for Ichthyosis vulgaris; Dermatitis, atopic, 2. Last evaluated: 2018-10-31. Review status: criteria provided, single submitter. Criteria: ACMG Guidelines, 2015. Collection method: clinical testing. Allele origin: unknown.

Undiagnosed Diseases Network, NIH
Classification: Pathogenic for Ichthyosis vulgaris. Last evaluated: 2016-11-10. Review status: criteria provided, single submitter. Criteria: ACMG Guidelines, 2015. Collection method: clinical testing. Allele origin: paternal. Inheritance: Autosomal dominant inheritance. Affected: yes. Observed: 1 variant allele, 1 heterozygote.

Juno Genomics, Hangzhou Juno Genomics, Inc
Classification: Pathogenic for Dermatitis, atopic, 2; Ichthyosis vulgaris. Review status: criteria provided, single submitter. Criteria: ACMG Guidelines, 2015. Collection method: clinical testing. Allele origin: germline. Affected: yes.
Comment: Absent from controls (or at extremely low frequency if recessive) in Genome Aggregation Database, Exome Sequencing Project, 1000 Genomes Project, or Exome Aggregation Consortium.;Null variant in a gene where loss of function (LOF) is a known mechanism of disease.;The prevalence of the variant in affected individuals is significantly increased compared to the prevalence in controls.;Patient's phenotype or family history is highly specific for a disease with a single genetic etiology.